The following is an entry in ClinVar:

ClinVar aggregate classification (germline): Uncertain significance (1 of 4 stars; one submission).

Submission:

Ambry Genetics
Classification: Uncertain significance. Last evaluated: 2025-08-01. Review status: criteria provided, single submitter. Criteria: Ambry Variant Classification Scheme 2023. Collection method: clinical testing. Allele origin: germline.
Comment: The p.F834C variant (also known as c.2501T>G), located in coding exon 23 of the KIF1B gene, results from a T to G substitution at nucleotide position 2501. The phenylalanine at codon 834 is replaced by cysteine, an amino acid with highly dissimilar properties. This amino acid position is conserved. In addition, this alteration is predicted to be deleterious by in silico analysis. Based on the available evidence, the clinical significance of this variant remains unclear.

NM_001365951.3(KIF1B):c.2639T>G (p.Phe880Cys)

Gene: KIF1B (kinesin family member 1B; plus strand). Cytogenetic location: 1p36.22.
Variant type: single nucleotide variant.
Coding change: c.2639T>G on transcript NM_001365951.3 (MANE Select); coding-DNA position 2639, T replaced by G.
Protein change: p.Phe880Cys; replaces phenylalanine 880 with cysteine.
Molecular consequence: missense variant.
Genome position (GRCh38, 1-based): chr1:10,324,859, T>G. VCF-style: chr1-10324859-T-G. GRCh37 (hg19) VCF-style: chr1-10384917-T-G.
Other names: c.2639T>G, p.Phe880Cys (NM_001365952.1); c.2501T>G, p.Phe834Cys (NM_015074.3); short protein forms F834C, F880C.
Identifiers: ClinVar variation 4092355 (VCV004092355.1).
Genomic context (GRCh38, chr1:10,324,859, plus strand): 5'-GGGAGATGGCCTCCAGTGCCCAAGACGAAAGCGAAACCACTGTGACTGGCAGCGATCCCT[T>G]CTATGATCGGTTCCACTGGTTCAAACTTGTGGGGAGGTATGTGATGATTTTGTTGATGTC-3'
Protein context (NP_001352880.1, residues 870-890): SETTVTGSDP[Phe880Cys]YDRFHWFKLV